The following is an entry in ClinVar:

ClinVar aggregate classification (germline): Uncertain significance (1 of 4 stars; one submission).

Conditions:
Cardiovascular phenotype. Identifiers: MedGen CN230736.

Submission:

Ambry Genetics
Classification: Uncertain significance for Cardiovascular phenotype. Last evaluated: 2024-12-14. Review status: criteria provided, single submitter. Criteria: Ambry Variant Classification Scheme 2023. Collection method: clinical testing. Allele origin: germline.
Comment: The p.L91Q variant (also known as c.272T>A), located in coding exon 1 of the FKRP gene, results from a T to A substitution at nucleotide position 272. The leucine at codon 91 is replaced by glutamine, an amino acid with dissimilar properties. This amino acid position is conserved. In addition, this alteration is predicted to be deleterious by in silico analysis. Since supporting evidence is limited at this time, the clinical significance of this alteration remains unclear.

NM_024301.5(FKRP):c.272T>A (p.Leu91Gln)

Gene: FKRP (fukutin related protein; plus strand). Cytogenetic location: 19q13.32.
Variant type: single nucleotide variant.
Coding change: c.272T>A on transcript NM_024301.5 (MANE Select); coding-DNA position 272, T replaced by A.
Protein change: p.Leu91Gln; replaces leucine 91 with glutamine.
Molecular consequence: missense variant.
Genome position (GRCh38, 1-based): chr19:46,755,722, T>A. VCF-style: chr19-46755722-T-A. GRCh37 (hg19) VCF-style: chr19-47258979-T-A.
Other names: c.272T>A, p.Leu91Gln (NM_001039885.3); short protein forms L91Q.
Identifiers: ClinVar variation 1795283 (VCV001795283.3), dbSNP rs2122612336, ClinGen allele CA406495005.